The following is an entry in ClinVar:

NM_001134363.3(RBM20):c.370C>A (p.Leu124Ile)

Gene: RBM20 (RNA binding motif protein 20; plus strand). Cytogenetic location: 10q25.2.
Variant type: single nucleotide variant.
Coding change: c.370C>A on transcript NM_001134363.3 (MANE Select); coding-DNA position 370, C replaced by A.
Protein change: p.Leu124Ile; replaces leucine 124 with isoleucine.
Molecular consequence: missense variant.
Genome position (GRCh38, 1-based): chr10:110,780,979, C>A. VCF-style: chr10-110780979-C-A. GRCh37 (hg19) VCF-style: chr10-112540737-C-A.
Other names: short protein forms L124I.
Identifiers: ClinVar variation 3666311 (VCV003666311.2).

ClinVar aggregate classification (germline): Uncertain significance (1 of 4 stars; one submission).

Conditions:
Dilated cardiomyopathy 1DD (CMD1DD). Identifiers: Orphanet 154, MedGen C2750995, MONDO:0013168, OMIM 613172.

gnomAD v4.1: 1 of 1,551,802 alleles (0.000064%); highest among the groups gnomAD compares: Non-Finnish European, 0.000087%; no homozygotes.

Submission:

Labcorp Genetics (formerly Invitae), Labcorp
Classification: Uncertain significance for Dilated cardiomyopathy 1DD. Last evaluated: 2024-03-29. Review status: criteria provided, single submitter. Criteria: Invitae Variant Classification Sherloc (09022015). Collection method: clinical testing. Allele origin: germline.
Comment: This sequence change replaces leucine, which is neutral and non-polar, with isoleucine, which is neutral and non-polar, at codon 124 of the RBM20 protein (p.Leu124Ile). This variant is not present in population databases (gnomAD no frequency). This variant has not been reported in the literature in individuals affected with RBM20-related conditions. Advanced modeling of protein sequence and biophysical properties (such as structural, functional, and spatial information, amino acid conservation, physicochemical variation, residue mobility, and thermodynamic stability) performed at Invitae indicates that this missense variant is not expected to disrupt RBM20 protein function with a negative predictive value of 95%. In summary, the available evidence is currently insufficient to determine the role of this variant in disease. Therefore, it has been classified as a Variant of Uncertain Significance.